The following is an entry in ClinVar:

ClinVar aggregate classification (germline): Uncertain significance (1 of 4 stars; one submission).

Allele frequency attached by ClinVar (database versions not stated): gnomAD exomes below 0.00001 and 0.00001; TOPMed 0.00001.
gnomAD v4.1: 4 of 1,614,232 alleles (0.00025%); highest among the groups gnomAD compares: Middle Eastern, 0.016%; no homozygotes.

Submission:

Labcorp Genetics (formerly Invitae), Labcorp
Classification: Uncertain significance. Last evaluated: 2024-03-11. Review status: criteria provided, single submitter. Criteria: Invitae Variant Classification Sherloc (09022015). Collection method: clinical testing. Allele origin: germline.
Comment: This sequence change replaces isoleucine, which is neutral and non-polar, with valine, which is neutral and non-polar, at codon 27 of the TEAD1 protein (p.Ile27Val). This variant is present in population databases (no rsID available, gnomAD no frequency). This variant has not been reported in the literature in individuals affected with TEAD1-related conditions. ClinVar contains an entry for this variant (Variation ID: 1357209). An algorithm developed to predict the effect of missense changes on protein structure and function (PolyPhen-2) suggests that this variant is likely to be tolerated. In summary, the available evidence is currently insufficient to determine the role of this variant in disease. Therefore, it has been classified as a Variant of Uncertain Significance.

NM_021961.6(TEAD1):c.79A>G (p.Ile27Val)

Gene: TEAD1 (TEA domain transcription factor 1; plus strand). Cytogenetic location: 11p15.3.
Variant type: single nucleotide variant.
Coding change: c.79A>G on transcript NM_021961.6 (MANE Select); coding-DNA position 79, A replaced by G.
Protein change: p.Ile27Val; replaces isoleucine 27 with valine.
Molecular consequence: missense variant.
Genome position (GRCh38, 1-based): chr11:12,764,311, A>G. VCF-style: chr11-12764311-A-G. GRCh37 (hg19) VCF-style: chr11-12785858-A-G.
Other names: short protein forms I27V.
Identifiers: ClinVar variation 1357209 (VCV001357209.6), dbSNP rs1425544709, ClinGen allele CA379855563.